The following is an entry in ClinVar:

NM_020778.5(ALPK3):c.1592G>A (p.Arg531Gln)

Genes: ALPK3 (alpha kinase 3; plus strand), LOC111718493 (skeletal muscle cis-regulatory module overlapping ALPK3; plus strand). Cytogenetic location: 15q25.3.
Variant type: single nucleotide variant.
Coding change: c.1592G>A on transcript NM_020778.5 (MANE Select); coding-DNA position 1592, G replaced by A.
Protein change: p.Arg531Gln; replaces arginine 531 with glutamine.
Molecular consequence: missense variant.
Genome position (GRCh38, 1-based): chr15:84,840,871, G>A. VCF-style: chr15-84840871-G-A. GRCh37 (hg19) VCF-style: chr15-85384102-G-A.
Other names: short protein forms R531Q.
Identifiers: ClinVar variation 1481835 (VCV001481835.8), dbSNP rs769587275, ClinGen allele CA7709228.

ClinVar aggregate classification (germline): Uncertain significance (1 of 4 stars; one submission).

Allele frequency attached by ClinVar (database versions not stated): gnomAD exomes below 0.00001; TOPMed below 0.00001; ExAC 0.00001; gnomAD 0.00001.
gnomAD v4.1: 3 of 1,613,744 alleles (0.00019%); highest among the groups gnomAD compares: African/African-American, 0.0027%; no homozygotes.

Submission:

Labcorp Genetics (formerly Invitae), Labcorp
Classification: Uncertain significance. Last evaluated: 2024-04-03. Review status: criteria provided, single submitter. Criteria: Invitae Variant Classification Sherloc (09022015). Collection method: clinical testing. Allele origin: germline.
Comment: This sequence change replaces arginine, which is basic and polar, with glutamine, which is neutral and polar, at codon 733 of the ALPK3 protein (p.Arg733Gln). This variant is present in population databases (rs769587275, gnomAD 0.007%). This variant has not been reported in the literature in individuals affected with ALPK3-related conditions. ClinVar contains an entry for this variant (Variation ID: 1481835). Advanced modeling of protein sequence and biophysical properties (such as structural, functional, and spatial information, amino acid conservation, physicochemical variation, residue mobility, and thermodynamic stability) performed at Invitae indicates that this missense variant is not expected to disrupt ALPK3 protein function with a negative predictive value of 80%. In summary, the available evidence is currently insufficient to determine the role of this variant in disease. Therefore, it has been classified as a Variant of Uncertain Significance.